The following is an entry in ClinVar:

NM_000384.3(APOB):c.9713C>T (p.Ser3238Phe)

Gene: APOB (apolipoprotein B; minus strand). Cytogenetic location: 2p24.1.
Variant type: single nucleotide variant.
Coding change: c.9713C>T on transcript NM_000384.3 (MANE Select); coding-DNA position 9713, C replaced by T.
Protein change: p.Ser3238Phe; replaces serine 3238 with phenylalanine.
Molecular consequence: missense variant.
Genome position (GRCh38, 1-based): chr2:21,007,155, G>A on the plus strand (C>T on the coding strand, the complement: APOB is on the minus strand). VCF-style: chr2-21007155-G-A. GRCh37 (hg19) VCF-style: chr2-21230027-G-A.
Other names: short protein forms S3238F.
Identifiers: ClinVar variation 927816 (VCV000927816.12), dbSNP rs777546847, ClinGen allele CA066778.

ClinVar aggregate classification (germline): Uncertain significance. Review status: criteria provided, multiple submitters, no conflicts (2 of 4 stars). 2 submissions from 2 submitters: Uncertain significance (2). Last evaluated 2022-07-06.

Conditions:
Cardiovascular phenotype. Identifiers: MedGen CN230736.
Familial hypobetalipoproteinemia 1. Also called: Hypobetalipoproteinemia, normotriglyceridemic; Acanthocytosis with hypobetalipoproteinemia; APOB-Related Familial Hypobetalipoproteinemia. Identifiers: MedGen C4551990, MONDO:0014252, OMIM 615558.
Hypercholesterolemia, autosomal dominant, type B (FHCL2). Also called: Familial Hypercholesterolemia Type B; HYPERCHOLESTEROLEMIA, FAMILIAL, DUE TO LIGAND-DEFECTIVE APOLIPOPROTEIN B; Familial hypercholesterolemia 2; APOB-Related Familial Hypercholesterolemia, Autosomal Dominant; APOLIPOPROTEIN B-100, FAMILIAL DEFECTIVE; APOLIPOPROTEIN B-100, FAMILIAL LIGAND-DEFECTIVE. Identifiers: MedGen C1704417, MONDO:0007751, OMIM 144010.

Allele frequency attached by ClinVar (database versions not stated): TOPMed below 0.00001; gnomAD exomes 0.00001; ExAC 0.00002.
gnomAD v4.1: 11 of 1,613,984 alleles (0.00068%); highest among the groups gnomAD compares: Non-Finnish European, 0.00093%; no homozygotes.

Submissions (2):

Ambry Genetics
Classification: Uncertain significance for Cardiovascular phenotype. Last evaluated: 2022-07-06. Review status: criteria provided, single submitter. Criteria: Ambry Variant Classification Scheme 2023. Collection method: clinical testing. Allele origin: germline.
Comment: The p.S3238F variant (also known as c.9713C>T), located in coding exon 26 of the APOB gene, results from a C to T substitution at nucleotide position 9713. The serine at codon 3238 is replaced by phenylalanine, an amino acid with highly dissimilar properties. This amino acid position is conserved. In addition, this alteration is predicted to be tolerated by in silico analysis. Since supporting evidence is limited at this time, the clinical significance of this alteration remains unclear.

Labcorp Genetics (formerly Invitae), Labcorp
Classification: Uncertain significance for Familial hypobetalipoproteinemia 1; Hypercholesterolemia, autosomal dominant, type B. Last evaluated: 2021-04-14. Review status: criteria provided, single submitter. Criteria: Invitae Variant Classification Sherloc (09022015). Collection method: clinical testing. Allele origin: germline.
Comment: In summary, the available evidence is currently insufficient to determine the role of this variant in disease. Therefore, it has been classified as a Variant of Uncertain Significance. Algorithms developed to predict the effect of missense changes on protein structure and function are either unavailable or do not agree on the potential impact of this missense change (SIFT: "Deleterious"; PolyPhen-2: "Probably Damaging"; Align-GVGD: "Class C0"). This variant has not been reported in the literature in individuals with APOB-related conditions. ClinVar contains an entry for this variant (Variation ID: 927816). This variant is present in population databases (rs777546847, ExAC 0.003%). This sequence change replaces serine with phenylalanine at codon 3238 of the APOB protein (p.Ser3238Phe). The serine residue is moderately conserved and there is a large physicochemical difference between serine and phenylalanine.